The following is an entry in ClinVar:

ClinVar aggregate classification (germline): Uncertain significance (1 of 4 stars; one submission).

Conditions:
Neutral lipid storage myopathy (NLSDM). Also called: NEUTRAL LIPID STORAGE DISEASE WITHOUT ICHTHYOSIS. Identifiers: Orphanet 98908, MedGen C1853136, MONDO:0012545, OMIM 610717.

Allele frequency attached by ClinVar (database versions not stated): gnomAD exomes below 0.00001.

Submission:

Labcorp Genetics (formerly Invitae), Labcorp
Classification: Uncertain significance for Neutral lipid storage myopathy. Last evaluated: 2022-10-13. Review status: criteria provided, single submitter. Criteria: Invitae Variant Classification Sherloc (09022015). Collection method: clinical testing. Allele origin: germline.
Comment: In summary, the available evidence is currently insufficient to determine the role of this variant in disease. Therefore, it has been classified as a Variant of Uncertain Significance. Advanced modeling of protein sequence and biophysical properties (such as structural, functional, and spatial information, amino acid conservation, physicochemical variation, residue mobility, and thermodynamic stability) performed at Invitae indicates that this missense variant is not expected to disrupt PNPLA2 protein function. ClinVar contains an entry for this variant (Variation ID: 936377). This variant has not been reported in the literature in individuals affected with PNPLA2-related conditions. This variant is not present in population databases (gnomAD no frequency). This sequence change replaces leucine, which is neutral and non-polar, with proline, which is neutral and non-polar, at codon 385 of the PNPLA2 protein (p.Leu385Pro).

NM_020376.4(PNPLA2):c.1154T>C (p.Leu385Pro)

Gene: PNPLA2 (patatin like domain 2, triacylglycerol lipase; plus strand). Cytogenetic location: 11p15.5.
Variant type: single nucleotide variant.
Coding change: c.1154T>C on transcript NM_020376.4 (MANE Select); coding-DNA position 1154, T replaced by C.
Protein change: p.Leu385Pro; replaces leucine 385 with proline.
Molecular consequence: missense variant.
Genome position (GRCh38, 1-based): chr11:824,415, T>C. VCF-style: chr11-824415-T-C. GRCh37 (hg19) VCF-style: chr11-824415-T-C.
Other names: short protein forms L385P.
Identifiers: ClinVar variation 936377 (VCV000936377.9), dbSNP rs1845798336, ClinGen allele CA378984128.